The following is an entry in ClinVar:

ClinVar aggregate classification (germline): Uncertain significance (1 of 4 stars; one submission).

Conditions:
Inborn genetic diseases. Identifiers: MedGen C0950123, MeSH D030342.

Submission:

Ambry Genetics
Classification: Uncertain significance for Inborn genetic diseases. Last evaluated: 2025-04-12. Review status: criteria provided, single submitter. Criteria: Ambry Variant Classification Scheme 2023. Collection method: clinical testing. Allele origin: germline.
Comment: The p.G22A variant (also known as c.65G>C), located in coding exon 1 of the ELANE gene, results from a G to C substitution at nucleotide position 65. The glycine at codon 22 is replaced by alanine, an amino acid with similar properties. This amino acid position is conserved. In addition, this alteration is predicted to be tolerated by in silico analysis. Based on the available evidence, the clinical significance of this variant remains unclear.

NM_001972.4(ELANE):c.65G>C (p.Gly22Ala)

Gene: ELANE (elastase, neutrophil expressed; plus strand). Cytogenetic location: 19p13.3.
Variant type: single nucleotide variant.
Coding change: c.65G>C on transcript NM_001972.4 (MANE Select); coding-DNA position 65, G replaced by C.
Protein change: p.Gly22Ala; replaces glycine 22 with alanine.
Molecular consequence: missense variant.
Genome position (GRCh38, 1-based): chr19:852,393, G>C. VCF-style: chr19-852393-G-C. GRCh37 (hg19) VCF-style: chr19-852393-G-C.
Other names: short protein forms G22A.
Identifiers: ClinVar variation 4017378 (VCV004017378.1).
Genomic context (GRCh38, chr19:852,393, plus strand): 5'-CCCTCGGCCGCCGACTCGCGTGTCTTTTCCTCGCCTGTGTCCTGCCGGCCTTGCTGCTGG[G>C]GGGTGAGTTTTTGAGTCCAACCTCCCGCTGCTCCCTCTGTCCCGGGTTCTGTTCCCACCT-3'
Protein context (NP_001963.1, residues 12-32): LACVLPALLL[Gly22Ala]GTALASEIVG